The following is an entry in ClinVar:

ClinVar aggregate classification (germline): Uncertain significance (1 of 4 stars; one submission).

Conditions:
Dilated cardiomyopathy 1O (CMD1O). Also called: CARDIOMYOPATHY, DILATED, WITH VENTRICULAR TACHYCARDIA. Identifiers: Orphanet 154, MedGen C1837839, MONDO:0012062, OMIM 608569.

Allele frequency attached by ClinVar (database versions not stated): gnomAD exomes below 0.00001; TOPMed below 0.00001; ExAC 0.00001.
gnomAD v4.1: 2 of 1,613,386 alleles (0.00012%); highest among the groups gnomAD compares: African/African-American, 0.0013%; no homozygotes.

Submission:

Labcorp Genetics (formerly Invitae), Labcorp
Classification: Uncertain significance for Dilated cardiomyopathy 1O. Last evaluated: 2024-11-25. Review status: criteria provided, single submitter. Criteria: Invitae Variant Classification Sherloc (09022015). Collection method: clinical testing. Allele origin: germline.
Comment: This sequence change replaces arginine, which is basic and polar, with cysteine, which is neutral and slightly polar, at codon 1386 of the ABCC9 protein (p.Arg1386Cys). This variant is present in population databases (rs751670196, gnomAD 0.0009%). This variant has not been reported in the literature in individuals affected with ABCC9-related conditions. ClinVar contains an entry for this variant (Variation ID: 955923). Invitae Evidence Modeling of protein sequence and biophysical properties (such as structural, functional, and spatial information, amino acid conservation, physicochemical variation, residue mobility, and thermodynamic stability) indicates that this missense variant is expected to disrupt ABCC9 protein function with a positive predictive value of 95%. In summary, the available evidence is currently insufficient to determine the role of this variant in disease. Therefore, it has been classified as a Variant of Uncertain Significance.

NM_020297.4(ABCC9):c.4156C>T (p.Arg1386Cys)

Genes: ABCC9 (ATP binding cassette subfamily C member 9; minus strand), KCNJ8-AS1 (KCNJ8 antisense RNA 1; plus strand). Cytogenetic location: 12p12.1.
Variant type: single nucleotide variant.
Coding change: c.4156C>T on transcript NM_020297.4 (MANE Select); coding-DNA position 4156, C replaced by T.
Protein change: p.Arg1386Cys; replaces arginine 1386 with cysteine.
Molecular consequence: missense variant.
Genome position (GRCh38, 1-based): chr12:21,812,104, G>A on the plus strand (C>T on the coding strand, the complement: ABCC9 is on the minus strand). VCF-style: chr12-21812104-G-A. GRCh37 (hg19) VCF-style: chr12-21965038-G-A.
Other names: c.4156C>T, p.Arg1386Cys (NM_001377273.1, NM_005691.4); c.3289C>T, p.Arg1097Cys (NM_001377274.1); short protein forms R1097C, R1386C.
Identifiers: ClinVar variation 955923 (VCV000955923.9), dbSNP rs751670196, ClinGen allele CA6480925.